The following is an entry in ClinVar:

ClinVar aggregate classification (germline): Conflicting classifications of pathogenicity. Review status: criteria provided, conflicting classifications (1 of 4 stars). 6 submissions from 6 submitters: Pathogenic (3); Likely pathogenic (1); Uncertain significance (1). 1 of the submissions does not count toward it. Last evaluated 2025-10-12.

Conditions:
Charcot-Marie-Tooth disease type 2A2. Also called: CHARCOT-MARIE-TOOTH DISEASE, AXONAL, TYPE 2A2; CHARCOT-MARIE-TOOTH DISEASE, AXONAL, AUTOSOMAL DOMINANT, TYPE 2A2A; Charcot-Marie-Tooth Neuropathy Type 2A2; CHARCOT-MARIE-TOOTH DISEASE, NEURONAL, TYPE 2A2; HEREDITARY MOTOR AND SENSORY NEUROPATHY IIA2; HMSN IIA2. Identifiers: Orphanet 99947, MedGen C4721887, MONDO:0012231, OMIM 609260.
Inborn genetic diseases. Identifiers: MedGen C0950123, MeSH D030342.
Charcot-Marie-Tooth disease type 2. Also called: Charcot-Marie-Tooth type 2. Identifiers: Orphanet 64746, MedGen C0270914, MONDO:0018993.
Charcot-Marie-Tooth disease. Also called: Charcot-Marie-Tooth Neuropathy; Charcot-Marie-Tooth Hereditary Neuropathy. Identifiers: Orphanet 166, MedGen C0007959, MONDO:0015626.

Allele frequency attached by ClinVar (database versions not stated): ExAC 0.00001; gnomAD 0.00001.
gnomAD v4.1: 2 of 1,614,044 alleles (0.00012%); highest among the groups gnomAD compares: Admixed American, 0.0017%; no homozygotes.

Submissions (6):

Labcorp Genetics (formerly Invitae), Labcorp
Classification: Pathogenic for Charcot-Marie-Tooth disease type 2. Last evaluated: 2025-10-12. Review status: criteria provided, single submitter. Criteria: Invitae Variant Classification Sherloc (09022015). Collection method: clinical testing. Allele origin: germline.
Comment: This sequence change replaces arginine, which is basic and polar, with histidine, which is basic and polar, at codon 259 of the MFN2 protein (p.Arg259His). This variant is present in population databases (rs755065651, gnomAD 0.01%). This missense change has been observed in individuals with Charcot-Marie-Tooth disease (PMID: 24450158, 24627108, 24863639, 26989944). It has also been observed to segregate with disease in related individuals. ClinVar contains an entry for this variant (Variation ID: 577496). Invitae Evidence Modeling of protein sequence and biophysical properties (such as structural, functional, and spatial information, amino acid conservation, physicochemical variation, residue mobility, and thermodynamic stability) has been performed for this missense variant. However, the output from this modeling did not meet the statistical confidence thresholds required to predict the impact of this variant on MFN2 protein function. This variant disrupts the p.Arg259 amino acid residue in MFN2. Other variant(s) that disrupt this residue have been determined to be pathogenic (PMID: 19350291, 22492563, 24957169, 25802885, 25957633). This suggests that this residue is clinically significant, and that variants that disrupt this residue are likely to be disease-causing. For these reasons, this variant has been classified as Pathogenic.

Women's Health and Genetics/Laboratory Corporation of America, LabCorp
Classification: Pathogenic for Charcot-Marie-Tooth disease type 2A2. Last evaluated: 2025-05-06. Review status: criteria provided, single submitter. Criteria: LabCorp Variant Classification Summary - May 2015. Collection method: clinical testing. Allele origin: germline.
Comment: Variant summary: MFN2 c.776G>A (p.Arg259His) results in a non-conservative amino acid change in the encoded protein sequence. Algorithms developed to predict the effect of missense changes on protein structure and function all suggest that this variant is likely to be disruptive. The variant allele was found at a frequency of 4e-06 in 251492 control chromosomes. c.776G>A has been observed in multiple heterozygous individual(s) affected with Charcot-Marie Disease Type 2A2 (example: Schabhuttl_2014, Lin_2020). These data indicate that the variant is likely to be associated with disease. Other variant(s) that disrupt this residue have been observed in individuals with MFN2-related conditions (Variation ID: 155730, 637279). The following publications have been ascertained in the context of this evaluation (PMID: 24627108, 31832804). ClinVar contains an entry for this variant (Variation ID: 577496). Based on the evidence outlined above, the variant was classified as pathogenic.

Revvity Omics, Revvity
Classification: Likely pathogenic. Last evaluated: 2025-04-17. Review status: criteria provided, single submitter. Criteria: ACMG Guidelines, 2015. Collection method: clinical testing. Allele origin: germline.

Ambry Genetics
Classification: Uncertain significance for Inborn genetic diseases. Last evaluated: 2022-08-24. Review status: criteria provided, single submitter. Criteria: Ambry Variant Classification Scheme 2023. Collection method: clinical testing. Allele origin: germline.
Comment: The p.R259H variant (also known as c.776G>A), located in coding exon 6 of the MFN2 gene, results from a G to A substitution at nucleotide position 776. The arginine at codon 259 is replaced by histidine, an amino acid with highly similar properties. This variant has been detected in the heterozygous state in multiple patients with Charcot-Marie-Tooth Type 2A (CMT2A) disease (Schabh&uuml;ttl M et al. J Neurol, 2014 May;261:970-82; Choi BO et al. Clin Genet, 2015 Jun;87:594-8; Luigetti M et al. Clin Neurol Neurosurg, 2016 May;144:67-71; Wu R et al. Neuropathology, 2018 Oct;38:463-467; Lin S et al. Neurogenetics, 2020 04;21:79-86). This amino acid position is highly conserved in available vertebrate species. In addition, this alteration is predicted to be deleterious by in silico analysis. Since supporting evidence is limited at this time, the clinical significance of this alteration remains unclear.

Clinical Genetics Service, Universitary Hospital 12 de Octubre
Classification: Pathogenic for Charcot-Marie-Tooth disease type 2A2. Review status: criteria provided, single submitter. Criteria: ACMG Guidelines, 2015. Collection method: clinical testing. Allele origin: germline. Affected: yes.

Inherited Neuropathy Consortium
Classification: Uncertain significance for Charcot-Marie-Tooth disease. Review status: no assertion criteria provided. Collection method: literature only. Allele origin: germline. Affected: yes. Not counted in ClinVar's aggregate classification.

Literature cited by the submitters: PubMed 24450158 (cited by Labcorp Genetics (formerly Invitae), Labcorp and Inherited Neuropathy Consortium); PubMed 24627108 (cited by 3 submitters); PubMed 24863639 (cited by Labcorp Genetics (formerly Invitae), Labcorp and Ambry Genetics); PubMed 26989944 (cited by Labcorp Genetics (formerly Invitae), Labcorp and Ambry Genetics); PubMed 19350291 (cited by Labcorp Genetics (formerly Invitae), Labcorp); PubMed 22492563 (cited by Labcorp Genetics (formerly Invitae), Labcorp); PubMed 24957169 (cited by Labcorp Genetics (formerly Invitae), Labcorp); PubMed 25802885 (cited by Labcorp Genetics (formerly Invitae), Labcorp); PubMed 25957633 (cited by Labcorp Genetics (formerly Invitae), Labcorp); PubMed 31832804 (cited by Women's Health and Genetics/Laboratory Corporation of America, LabCorp and Ambry Genetics); PubMed 30011089 (cited by Ambry Genetics).

NM_014874.4(MFN2):c.776G>A (p.Arg259His)

Gene: MFN2 (mitofusin 2; plus strand). Cytogenetic location: 1p36.22.
Variant type: single nucleotide variant.
Coding change: c.776G>A on transcript NM_014874.4 (MANE Select); coding-DNA position 776, G replaced by A.
Protein change: p.Arg259His; replaces arginine 259 with histidine.
Molecular consequence: missense variant.
Genome position (GRCh38, 1-based): chr1:11,999,055, G>A. VCF-style: chr1-11999055-G-A. GRCh37 (hg19) VCF-style: chr1-12059112-G-A.
Other names: c.776G>A (NM_001127660.1); c.776G>A, p.Arg259His (NM_001127660.2); short protein forms R259H.
Identifiers: ClinVar variation 577496 (VCV000577496.17), dbSNP rs755065651, ClinGen allele CA598918.